The following is an entry in ClinVar:

ClinVar aggregate classification (germline): Uncertain significance (1 of 4 stars; one submission).

Allele frequency attached by ClinVar (database versions not stated): 1000 Genomes Project 0.00060; 1000 Genomes Project 30x 0.00062; ESP Exome Variant Server 0.00088; gnomAD 0.00109; TOPMed 0.00114.
gnomAD v4.1: 2,674 of 1,613,464 alleles (0.17%); highest among the groups gnomAD compares: Non-Finnish European, 0.21%; 2 homozygotes.

Submission:

CeGaT Center for Human Genetics Tuebingen
Classification: Uncertain significance. Last evaluated: 2022-12-01. Review status: criteria provided, single submitter. Criteria: CeGaT Center For Human Genetics Tuebingen Variant Classification Criteria Version 2. Collection method: clinical testing. Allele origin: germline. Affected: yes. Observed: 1 variant allele.
Comment: PCNX2: PP3

NM_014801.4(PCNX2):c.3276G>A (p.Thr1092=)

Gene: PCNX2 (pecanex 2; minus strand). Cytogenetic location: 1q42.2.
Variant type: single nucleotide variant.
Coding change: c.3276G>A on transcript NM_014801.4 (MANE Select); coding-DNA position 3276, G replaced by A.
Protein change: p.Thr1092=; no amino-acid change (threonine 1092 retained).
Molecular consequence: synonymous variant.
Genome position (GRCh38, 1-based): chr1:233,161,361, C>T on the plus strand (G>A on the coding strand, the complement: PCNX2 is on the minus strand). VCF-style: chr1-233161361-C-T. GRCh37 (hg19) VCF-style: chr1-233297107-C-T.
Identifiers: ClinVar variation 2640086 (VCV002640086.24), dbSNP rs146305724, ClinGen allele CA1457658.